The following is an entry in ClinVar:

NC_000001.10:g.(?_216348580)_(216348824_?)del

Gene: USH2A (usherin; minus strand). Cytogenetic location: 1q41.
Variant type: Deletion.
Identifiers: ClinVar variation 1074580 (VCV001074580.1).

ClinVar aggregate classification (germline): Pathogenic (1 of 4 stars; one submission).

Submission:

Labcorp Genetics (formerly Invitae), Labcorp
Classification: Pathogenic. Last evaluated: 2020-07-22. Review status: criteria provided, single submitter. Criteria: Invitae Variant Classification Sherloc (09022015). Collection method: clinical testing. Allele origin: germline.
Comment: This variant is an in-frame deletion of the genomic region encompassing exon 21 of the USH2A gene. It preserves the integrity of the reading frame. This variant has not been reported in the literature in individuals with USH2A-related conditions. The region of the USH2A gene that includes exon(s) 21 has been determined to be clinically significant (PMID: 18273898, 27460420). Therefore, deletions that encompass that region are likely to disrupt protein function and cause disease. For these reasons, this variant has been classified as Pathogenic.

Literature cited by the submitters: PubMed 18273898; PubMed 27460420.